The following is an entry in ClinVar:

NM_001356.5(DDX3X):c.1565T>C (p.Ile522Thr)

Gene: DDX3X (DEAD-box helicase 3 X-linked; plus strand). Cytogenetic location: Xp11.4.
Variant type: single nucleotide variant.
Coding change: c.1565T>C on transcript NM_001356.5 (MANE Select); coding-DNA position 1565, T replaced by C.
Protein change: p.Ile522Thr; replaces isoleucine 522 with threonine.
Molecular consequence: missense variant. On other transcripts: non-coding transcript variant (1).
Genome position (GRCh38, 1-based): chrX:41,346,572, T>C. VCF-style: chrX-41346572-T-C. GRCh37 (hg19) VCF-style: chrX-41205825-T-C.
Other names: c.1565T>C, p.Ile522Thr (NM_001193416.3); c.1517T>C, p.Ile506Thr (NM_001193417.3); c.1007T>C, p.Ile336Thr (NM_001363819.1); short protein forms I336T, I506T, I522T.
Identifiers: ClinVar variation 3600501 (VCV003600501.1).

ClinVar aggregate classification (germline): Uncertain significance (1 of 4 stars; one submission).

Conditions:
Intellectual disability, X-linked 102 (MRXSSB). Also called: Intellectual developmental disorder, X-linked syndromic, Snijders Blok type. Identifiers: Orphanet 457260, MedGen C5393299, MONDO:0010497, OMIM 300958.

gnomAD v4.1: 1 of 1,210,485 alleles (0.000083%); highest among the groups gnomAD compares: Non-Finnish European, 0.00011%; no homozygotes.

Submission:

Clinical Genomics Laboratory, Washington University in St. Louis
Classification: Uncertain significance for Intellectual disability, X-linked 102. Last evaluated: 2024-09-08. Review status: criteria provided, single submitter. Criteria: ACMG Guidelines, 2015. Collection method: clinical testing. Allele origin: germline.
Comment: The DDX3X c.1565T>C (p.Ile522Thr) variant, to our knowledge, has not been reported in the medical literature. This variant is absent from the general population (gnomAD v.2.1.1), indicating it is not a common variant. This variant resides within the helicase C-terminal domain of DDX3X that is defined as a critical functional domain (Nicola P et al., PMID: 30734472). Computational predictors indicate that the variant is damaging, evidence that correlates with impact to DDX3X function. Due to limited information, and based on ACMG/AMP guidelines for variant interpretation (Richards S et al., PMID: 25741868), the clinical significance of this variant is uncertain at this time.